The following is an entry in ClinVar:

ClinVar aggregate classification (germline): Uncertain significance (1 of 4 stars; one submission).

Allele frequency attached by ClinVar (database versions not stated): gnomAD exomes below 0.00001; gnomAD 0.00001; TOPMed 0.00002.
gnomAD v4.1: 8 of 1,550,352 alleles (0.00052%); no homozygotes.

Submission:

Labcorp Genetics (formerly Invitae), Labcorp
Classification: Uncertain significance. Last evaluated: 2022-06-09. Review status: criteria provided, single submitter. Criteria: Invitae Variant Classification Sherloc (09022015). Collection method: clinical testing. Allele origin: germline.
Comment: In summary, the available evidence is currently insufficient to determine the role of this variant in disease. Therefore, it has been classified as a Variant of Uncertain Significance. Algorithms developed to predict the effect of missense changes on protein structure and function are either unavailable or do not agree on the potential impact of this missense change (SIFT: "Tolerated"; PolyPhen-2: "Possibly Damaging"; Align-GVGD: "Class C0"). This variant has not been reported in the literature in individuals affected with ERBIN-related conditions. This variant is present in population databases (rs201900105, gnomAD 0.02%). This sequence change replaces tyrosine, which is neutral and polar, with serine, which is neutral and polar, at codon 1235 of the ERBIN protein (p.Tyr1235Ser).

NM_001253697.2(ERBIN):c.3704A>C (p.Tyr1235Ser)

Gene: ERBIN (erbb2 interacting protein; plus strand). Cytogenetic location: 5q12.3.
Variant type: single nucleotide variant.
Coding change: c.3704A>C on transcript NM_001253697.2 (MANE Select); coding-DNA position 3704, A replaced by C.
Protein change: p.Tyr1235Ser; replaces tyrosine 1235 with serine.
Molecular consequence: missense variant. On other transcripts: intron variant (5).
Genome position (GRCh38, 1-based): chr5:66,072,239, A>C. VCF-style: chr5-66072239-A-C. GRCh37 (hg19) VCF-style: chr5-65368067-A-C.
Other names: c.3778-2785A>C (NM_001253699.2); c.3634-2785A>C (NM_018695.4, NM_001253698.2); c.3634-4077A>C (NM_001006600.3); c.3622-2785A>C (NM_001253701.2); short protein forms Y1235S.
Identifiers: ClinVar variation 1926882 (VCV001926882.5), dbSNP rs201900105, ClinGen allele CA119877139.